The following is an entry in ClinVar:

ClinVar aggregate classification (germline): Uncertain significance (0 of 4 stars; one submission).

gnomAD v4.1: 1 of 1,614,012 alleles (0.000062%); highest among the groups gnomAD compares: Non-Finnish European, 0.000085%; no homozygotes.

Submission:

Department of Pathology and Laboratory Medicine, Sinai Health System
Classification: Uncertain significance. Review status: no assertion criteria provided. Collection method: clinical testing. Allele origin: unknown. Affected: yes. Study: The Canadian Open Genetics Repository (COGR).
Comment: The FAT1 p.A1709V variant was not identified in the literature nor was it identified in dbSNP, ClinVar orÂ¬â€ in the following control databases: the 1000 Genomes Project, the NHLBI GO Exome Sequencing Project, or the Genome Aggregation Database (March 6, 2019, v2.1.1).Â¬â€ The p.A1790 residue is not conserved in mammals and computational analyses (MUT Assesor, SIFT, MutationTaster, Revel, FATHMM, MetaLR, DANN) do not suggest a high likelihood of impact to the protein; however this information is not predictive enough to rule out pathogenicity.Â¬â€ The variant occurs outside of the splicing consensus sequence and in silico or computational prediction software programs (Splice AI exome) do not predict a difference in splicing.Â¬â€ In summary, based on the above information the clinical significance of this variant cannot be determined with certainty at this time. This variant is classified as a variant of uncertain significance.

NM_005245.4(FAT1):c.5126C>T (p.Ala1709Val)

Gene: FAT1 (FAT atypical cadherin 1; minus strand). Cytogenetic location: 4q35.2.
Variant type: single nucleotide variant.
Coding change: c.5126C>T on transcript NM_005245.4 (MANE Select); coding-DNA position 5126, C replaced by T.
Protein change: p.Ala1709Val; replaces alanine 1709 with valine.
Molecular consequence: missense variant.
Genome position (GRCh38, 1-based): chr4:186,621,460, G>A on the plus strand (C>T on the coding strand, the complement: FAT1 is on the minus strand). VCF-style: chr4-186621460-G-A. GRCh37 (hg19) VCF-style: chr4-187542614-G-A.
Other names: short protein forms A1709V.
Identifiers: ClinVar variation 1049217 (VCV001049217.1), dbSNP rs2126525476, ClinGen allele CA358973868.